The following is an entry in ClinVar:

ClinVar aggregate classification (germline): Uncertain significance (1 of 4 stars; one submission).

Submission:

GeneDx
Classification: Uncertain significance. Last evaluated: 2019-06-20. Review status: criteria provided, single submitter. Criteria: GeneDx Variant Classification Process June 2021. Collection method: clinical testing. Allele origin: germline. Affected: yes.
Comment: Not observed in large population cohorts (Lek et al., 2016); In silico analysis, which includes protein predictors and evolutionary conservation, supports a deleterious effect; Has not been previously published as pathogenic or benign to our knowledge

NM_001378964.1(CDON):c.2189C>T (p.Ser730Phe)

Gene: CDON (cell adhesion associated, oncogene regulated; minus strand). Cytogenetic location: 11q24.2.
Variant type: single nucleotide variant.
Coding change: c.2189C>T on transcript NM_001378964.1 (MANE Select); coding-DNA position 2189, C replaced by T.
Protein change: p.Ser730Phe; replaces serine 730 with phenylalanine.
Molecular consequence: missense variant.
Genome position (GRCh38, 1-based): chr11:125,997,380, G>A on the plus strand (C>T on the coding strand, the complement: CDON is on the minus strand). VCF-style: chr11-125997380-G-A. GRCh37 (hg19) VCF-style: chr11-125867275-G-A.
Other names: c.2189C>T, p.Ser730Phe (NM_001243597.3, NM_016952.6); short protein forms S730F.
Identifiers: ClinVar variation 1302099 (VCV001302099.2), dbSNP rs2134544510, ClinGen allele CA383206365.